The following is an entry in ClinVar:

ClinVar aggregate classification (germline): Uncertain significance (1 of 4 stars; one submission).

Conditions:
Mitochondrial DNA depletion syndrome 1. Also called: Mitochondrial neurogastrointestinal encephalomyopathy syndrome; Mitochondrial DNA depletion syndrome 1 (MNGIE type); Mitochondrial DNA Depletion Syndrome, MNGIE Form; POLIP SYNDROME; POLYNEUROPATHY, OPHTHALMOPLEGIA, LEUKOENCEPHALOPATHY, AND INTESTINAL PSEUDOOBSTRUCTION; Mitochondrial Neurogastrointestinal Encephalopathy Disease. Identifiers: Orphanet 298, MedGen C4551995, MONDO:0011283, OMIM 603041.

Submission:

Myriad Genetics, Inc.
Classification: Uncertain significance for Mitochondrial DNA depletion syndrome 1. Last evaluated: 2026-03-19. Review status: criteria provided, single submitter. Criteria: Myriad Autosomal Dominant, Autosomal Recessive and X-Linked Classification Criteria (2023). Collection method: clinical testing. Allele origin: unknown.
Comment: NM_001953.4(TYMP):c.1138_1140delGAG(E380del) is an in-frame deletion classified as a variant of uncertain significance in the context of mitochondrial neurogastrointestinal encephalopathy disease. E380del has been observed in a case with relevant disease (PMID: 30582904). Relevant functional assessments of this variant are not available in the literature. E380del has been observed in referenced population frequency databases. In summary, there is insufficient evidence to classify NM_001953.4(TYMP):c.1138_1140delGAG(E380del) as pathogenic or benign. Please note: this variant was assessed in the context of healthy population screening.

Literature cited by the submitters: PubMed 30582904.

NM_001953.5(TYMP):c.1135GAG[1] (p.Glu380del)

Genes: SCO2 (synthesis of cytochrome C oxidase 2; minus strand), TYMP (thymidine phosphorylase; minus strand), LOC130067862 (ATAC-STARR-seq lymphoblastoid silent region 13986; plus strand). Cytogenetic location: 22q13.33.
Variant type: Microsatellite.
Coding change: c.1135GAG[1] on transcript NM_001953.5 (MANE Select); one copy of the 3-base unit GAG starting at c.1135; the reference has two copies in a row; one copy, 3 bases deleted.
Protein change: p.Glu380del; deletes glutamic acid 380.
Molecular consequence: inframe deletion. On other transcripts: 5 prime UTR variant (1).
Genome position (GRCh38, 1-based): chr22:50,526,265-50,526,267, CTC deleted on the plus strand (GAG on the coding strand, the reverse complement: TYMP is on the minus strand); deleting any 3 consecutive bases within chr22:50,526,265-50,526,272 gives the same sequence; the position shown is the placement nearest the transcript's 3' end. VCF-style (leftmost placement, unchanged base first): chr22-50526264-GCTC-G. GRCh37 (hg19) VCF-style: chr22-50964693-GCTC-G.
Other names: c.1135GAG[1], p.Glu380del (NM_001113755.3, NM_001113756.3, NM_001257988.1 and 1 more transcripts); c.-38GAG[1] (NM_001169109.2); short protein forms E380del.
Identifiers: ClinVar variation 5003702 (VCV005003702.1).
Genomic context (GRCh38, chr22:50,526,264, plus strand): 5'-GGATGGCGGAGGCGGAAGGACGGGGACTCCCCCGACGCTCACCATCTGCGGGCGCCAGCA[GCTC>G]CTCCTGCTCCCGGGCGCGAGGCAGCAGCTGCCGGCGTTCTGCGGGACTTCCCGAGCACAG-3'